The following is an entry in ClinVar:

NM_024675.4(PALB2):c.2842T>A (p.Phe948Ile)

Gene: PALB2 (partner and localizer of BRCA2; minus strand). Cytogenetic location: 16p12.2.
Variant type: single nucleotide variant.
Coding change: c.2842T>A on transcript NM_024675.4 (MANE Select); coding-DNA position 2842, T replaced by A.
Protein change: p.Phe948Ile; replaces phenylalanine 948 with isoleucine.
Molecular consequence: missense variant.
Genome position (GRCh38, 1-based): chr16:23,623,123, A>T on the plus strand (T>A on the coding strand, the complement: PALB2 is on the minus strand). VCF-style: chr16-23623123-A-T. GRCh37 (hg19) VCF-style: chr16-23634444-A-T.
Other names: short protein forms F948I.
Identifiers: ClinVar variation 410220 (VCV000410220.9), dbSNP rs1060502810, ClinGen allele CA16615077.

ClinVar aggregate classification (germline): Uncertain significance (1 of 4 stars; one submission).

Conditions:
Familial cancer of breast. Also called: BREAST CANCER, FAMILIAL; Hereditary breast cancer; hereditary breast carcinoma. Identifiers: Orphanet 227535, MedGen C0346153, MONDO:0016419, OMIM 114480. Disease mechanism: loss of function.

Submission:

Labcorp Genetics (formerly Invitae), Labcorp
Classification: Uncertain significance for Familial cancer of breast. Last evaluated: 2023-10-11. Review status: criteria provided, single submitter. Criteria: Invitae Variant Classification Sherloc (09022015). Collection method: clinical testing. Allele origin: germline.
Comment: This sequence change replaces phenylalanine, which is neutral and non-polar, with isoleucine, which is neutral and non-polar, at codon 948 of the PALB2 protein (p.Phe948Ile). This variant is not present in population databases (gnomAD no frequency). This variant has not been reported in the literature in individuals affected with PALB2-related conditions. ClinVar contains an entry for this variant (Variation ID: 410220). Advanced modeling of protein sequence and biophysical properties (such as structural, functional, and spatial information, amino acid conservation, physicochemical variation, residue mobility, and thermodynamic stability) performed at Invitae indicates that this missense variant is not expected to disrupt PALB2 protein function. In summary, the available evidence is currently insufficient to determine the role of this variant in disease. Therefore, it has been classified as a Variant of Uncertain Significance.